The following is an entry in ClinVar:

NM_001379500.1(COL18A1):c.1089T>C (p.Pro363=)

Gene: COL18A1 (collagen type XVIII alpha 1 chain; plus strand). Cytogenetic location: 21q22.3.
Variant type: single nucleotide variant.
Coding change: c.1089T>C on transcript NM_001379500.1 (MANE Select); coding-DNA position 1089, T replaced by C.
Protein change: p.Pro363=; no amino-acid change (proline 363 retained).
Molecular consequence: synonymous variant.
Genome position (GRCh38, 1-based): chr21:45,477,833, T>C. VCF-style: chr21-45477833-T-C. GRCh37 (hg19) VCF-style: chr21-46897747-T-C.
Other names: c.1629T>C, p.Pro543= (NM_030582.4); c.2334T>C, p.Pro778= (NM_130444.3).
Identifiers: ClinVar variation 4822346 (VCV004822346.4).
Genomic context (GRCh38, chr21:45,477,833, plus strand): 5'-GGAGCCAGGTGTTCCGGGCCCACCTGGCCGGGCAGGCCCCCCAGGATCCCCATGCCTACC[T>C]GGTCCCCCGGGTCTCCCGTGCCCAGTGAGTCCCCTGGGTCCTGCAGGCCCAGCGTTGCAA-3'
Protein context (NP_001366429.1, residues 353-373): RAGPPGSPCL[Pro363=]GPPGLPCPVS

ClinVar aggregate classification (germline): Likely benign (1 of 4 stars; one submission).

gnomAD v4.1: 12 of 1,552,744 alleles (0.00077%); highest among the groups gnomAD compares: Non-Finnish European, 0.001%; no homozygotes.

Submission:

CeGaT Center for Human Genetics Tuebingen
Classification: Likely benign. Last evaluated: 2026-01-01. Review status: criteria provided, single submitter. Criteria: CeGaT Center For Human Genetics Tuebingen Variant Classification Criteria Version 2. Collection method: clinical testing. Allele origin: germline. Affected: yes. Observed: 1 variant allele.
Comment: COL18A1: BP4, BP7